The following is an entry in ClinVar:

NM_020461.4(TUBGCP6):c.2119C>G (p.Gln707Glu)

Gene: TUBGCP6 (tubulin gamma complex component 6; minus strand). Cytogenetic location: 22q13.33.
Variant type: single nucleotide variant.
Coding change: c.2119C>G on transcript NM_020461.4 (MANE Select); coding-DNA position 2119, C replaced by G.
Protein change: p.Gln707Glu; replaces glutamine 707 with glutamic acid.
Molecular consequence: missense variant.
Genome position (GRCh38, 1-based): chr22:50,224,367, G>C on the plus strand (C>G on the coding strand, the complement: TUBGCP6 is on the minus strand). VCF-style: chr22-50224367-G-C. GRCh37 (hg19) VCF-style: chr22-50662796-G-C.
Other names: short protein forms Q707E.
Identifiers: ClinVar variation 1060693 (VCV001060693.9), dbSNP rs1470670513, ClinGen allele CA412102991.
Genomic context (GRCh38, chr22:50,224,367, plus strand): 5'-CCCCGCAGGGACAGGTCCTACCCACCTCCTGGTCCTTCACAAATTGTTCTTTCAGCCTCT[G>C]AAACTGCTCACGCTTCCGGGCATCCAAGGCCATCCGTTCTGACATCTGCCGGTCTACATT-3'
Protein context (NP_065194.3, residues 697-717): ALDARKREQF[Gln707Glu]RLKEQFVKDQ

ClinVar aggregate classification (germline): Uncertain significance (1 of 4 stars; one submission).

Allele frequency attached by ClinVar (database versions not stated): gnomAD exomes below 0.00001 and 0.00004; TOPMed below 0.00001.
gnomAD v4.1: 61 of 1,614,222 alleles (0.0038%); highest among the groups gnomAD compares: Non-Finnish European, 0.0051%; no homozygotes.

Submission:

Labcorp Genetics (formerly Invitae), Labcorp
Classification: Uncertain significance. Last evaluated: 2024-10-15. Review status: criteria provided, single submitter. Criteria: Invitae Variant Classification Sherloc (09022015). Collection method: clinical testing. Allele origin: germline.
Comment: This sequence change replaces glutamine, which is neutral and polar, with glutamic acid, which is acidic and polar, at codon 707 of the TUBGCP6 protein (p.Gln707Glu). This variant is present in population databases (no rsID available, gnomAD 0.0009%). This variant has not been reported in the literature in individuals affected with TUBGCP6-related conditions. ClinVar contains an entry for this variant (Variation ID: 1060693). An algorithm developed to predict the effect of missense changes on protein structure and function (PolyPhen-2) suggests that this variant is likely to be disruptive. In summary, the available evidence is currently insufficient to determine the role of this variant in disease. Therefore, it has been classified as a Variant of Uncertain Significance.